The following is an entry in ClinVar:

NM_000051.4(ATM):c.4587T>A (p.Tyr1529Ter)

Gene: ATM (ATM serine/threonine kinase; plus strand). Cytogenetic location: 11q22.3.
Variant type: single nucleotide variant.
Coding change: c.4587T>A on transcript NM_000051.4 (MANE Select); coding-DNA position 4587, T replaced by A.
Protein change: p.Tyr1529Ter; replaces tyrosine 1529 with a stop codon.
Molecular consequence: nonsense.
Genome position (GRCh38, 1-based): chr11:108,292,769, T>A. VCF-style: chr11-108292769-T-A. GRCh37 (hg19) VCF-style: chr11-108163496-T-A.
Other names: c.4587T>A, p.Tyr1529Ter (NM_001351834.2); short protein forms Y1529*.
Identifiers: ClinVar variation 1456143 (VCV001456143.6), dbSNP rs1555100005, ClinGen allele CA382533969.
Genomic context (GRCh38, chr11:108,292,769, plus strand): 5'-TAAGGATGCTCTAGAAAACCATCTTCATGTTATTGTTGGTACACTTATACCCCTTGTGTA[T>A]GAGCAGGTGGAGGTTCAGAAACAGGTAATTTTCTGACTCATCTTCAAAATGGTATTTAAA-3'

ClinVar aggregate classification (germline): Pathogenic (1 of 4 stars; one submission).

Conditions:
Ataxia-telangiectasia syndrome (AT). Also called: Ataxia-telangiectasia, complementation group E; LOUIS-BAR SYNDROME; Ataxia-telangiectasia, complementation group D; AT, COMPLEMENTATION GROUP C; Ataxia-telangiectasia; Cerebello-oculocutaneous telangiectasia. Identifiers: Orphanet 100, MedGen C0004135, MONDO:0008840, OMIM 208900.

Submission:

Labcorp Genetics (formerly Invitae), Labcorp
Classification: Pathogenic for Ataxia-telangiectasia syndrome. Last evaluated: 2021-06-22. Review status: criteria provided, single submitter. Criteria: Invitae Variant Classification Sherloc (09022015). Collection method: clinical testing. Allele origin: germline.
Comment: For these reasons, this variant has been classified as Pathogenic. Algorithms developed to predict the effect of sequence changes on RNA splicing suggest that this variant may create or strengthen a splice site, but this prediction has not been confirmed by published transcriptional studies. This variant has not been reported in the literature in individuals with ATM-related conditions. This variant is not present in population databases (ExAC no frequency). This sequence change creates a premature translational stop signal (p.Tyr1529*) in the ATM gene. It is expected to result in an absent or disrupted protein product. Loss-of-function variants in ATM are known to be pathogenic (PMID: 23807571, 25614872).

Literature cited by the submitters: PubMed 23807571; PubMed 25614872.